The following is an entry in ClinVar:

ClinVar aggregate classification (germline): Uncertain significance (1 of 4 stars; one submission).

Conditions:
Renal cell carcinoma. Identifiers: Orphanet 217071, MedGen C0007134, MeSH D002292, MONDO:0005086, HP:0005584.

gnomAD v4.1: 1 of 1,614,064 alleles (0.000062%); highest among the groups gnomAD compares: African/African-American, 0.0013%; no homozygotes.

Submission:

Labcorp Genetics (formerly Invitae), Labcorp
Classification: Uncertain significance for Renal cell carcinoma. Last evaluated: 2025-09-15. Review status: criteria provided, single submitter. Criteria: Invitae Variant Classification Sherloc (09022015). Collection method: clinical testing. Allele origin: germline.
Comment: This sequence change replaces proline, which is neutral and non-polar, with leucine, which is neutral and non-polar, at codon 1078 of the MET protein (p.Pro1078Leu). This variant is not present in population databases (gnomAD no frequency). This variant has not been reported in the literature in individuals affected with MET-related conditions. Invitae Evidence Modeling of protein sequence and biophysical properties (such as structural, functional, and spatial information, amino acid conservation, physicochemical variation, residue mobility, and thermodynamic stability) indicates that this missense variant is not expected to disrupt MET protein function with a negative predictive value of 80%. In summary, the available evidence is currently insufficient to determine the role of this variant in disease. Therefore, it has been classified as a Variant of Uncertain Significance.

NM_000245.4(MET):c.3179C>T (p.Pro1060Leu)

Gene: MET (MET proto-oncogene, receptor tyrosine kinase; plus strand). Cytogenetic location: 7q31.2.
Variant type: single nucleotide variant.
Coding change: c.3179C>T on transcript NM_000245.4 (MANE Select); coding-DNA position 3179, C replaced by T.
Protein change: p.Pro1060Leu; replaces proline 1060 with leucine.
Molecular consequence: missense variant.
Genome position (GRCh38, 1-based): chr7:116,775,031, C>T. VCF-style: chr7-116775031-C-T. GRCh37 (hg19) VCF-style: chr7-116415085-C-T.
Other names: c.3233C>T, p.Pro1078Leu (NM_001127500.3); c.1889C>T, p.Pro630Leu (NM_001324402.2); short protein forms P1060L, P1078L, P630L.
Identifiers: ClinVar variation 4692366 (VCV004692366.1).